The following is an entry in ClinVar:

ClinVar aggregate classification (germline): Uncertain significance (1 of 4 stars; one submission).

gnomAD v4.1: 1 of 1,611,072 alleles (0.000062%); no homozygotes.

Submission:

Labcorp Genetics (formerly Invitae), Labcorp
Classification: Uncertain significance. Last evaluated: 2025-08-25. Review status: criteria provided, single submitter. Criteria: Invitae Variant Classification Sherloc (09022015). Collection method: clinical testing. Allele origin: germline.
Comment: This sequence change replaces histidine, which is basic and polar, with glutamine, which is neutral and polar, at codon 183 of the CACNA1E protein (p.His183Gln). This variant is not present in population databases (gnomAD no frequency). This variant has not been reported in the literature in individuals affected with CACNA1E-related conditions. ClinVar contains an entry for this variant (Variation ID: 2818778). Invitae Evidence Modeling of protein sequence and biophysical properties (such as structural, functional, and spatial information, amino acid conservation, physicochemical variation, residue mobility, and thermodynamic stability) indicates that this missense variant is not expected to disrupt CACNA1E protein function with a negative predictive value of 95%. In summary, the available evidence is currently insufficient to determine the role of this variant in disease. Therefore, it has been classified as a Variant of Uncertain Significance.

NM_001205293.3(CACNA1E):c.549C>A (p.His183Gln)

Gene: CACNA1E (calcium voltage-gated channel subunit alpha1 E; plus strand). Cytogenetic location: 1q25.3.
Variant type: single nucleotide variant.
Coding change: c.549C>A on transcript NM_001205293.3 (MANE Select); coding-DNA position 549, C replaced by A.
Protein change: p.His183Gln; replaces histidine 183 with glutamine.
Molecular consequence: missense variant.
Genome position (GRCh38, 1-based): chr1:181,577,802, C>A. VCF-style: chr1-181577802-C-A. GRCh37 (hg19) VCF-style: chr1-181546938-C-A.
Other names: c.549C>A, p.His183Gln (NM_000721.4, NM_001205294.2); short protein forms H183Q.
Identifiers: ClinVar variation 2818778 (VCV002818778.3), dbSNP rs750697056, ClinGen allele CA343846760.
Genomic context (GRCh38, chr1:181,577,802, plus strand): 5'-ACCCTTCTGTGTCTCTGTCTGCAGCATCCTGGCCACTGCAGGAACCCACTTCAATACTCA[C>A]GTGGACCTGAGGACCCTCCGGGCTGTGCGTGTCCTGCGGCCTTTGAAGCTCGTGTCAGGG-3'
Protein context (NP_001192222.1, residues 173-193): LATAGTHFNT[His183Gln]VDLRTLRAVR